The following is an entry in ClinVar:

ClinVar aggregate classification (germline): Uncertain significance. Review status: criteria provided, multiple submitters, no conflicts (2 of 4 stars). 2 submissions from 2 submitters: Uncertain significance (2). Last evaluated 2025-07-23.

Conditions:
TTN-related disorder. Also called: TTN-related condition; TTN-related disease; TTN-related disorders.

Allele frequency attached by ClinVar (database versions not stated): gnomAD exomes 0.00001 and 0.00002; ExAC 0.00002; TOPMed 0.00002; gnomAD 0.00003.
gnomAD v4.1: 13 of 1,613,406 alleles (0.00081%); highest among the groups gnomAD compares: African/African-American, 0.0053%; no homozygotes.

Submissions (2):

PreventionGenetics, part of Exact Sciences
Classification: Uncertain significance for TTN-related condition. Last evaluated: 2025-07-23. Review status: criteria provided, single submitter. Criteria: ACMG Guidelines, 2015. Collection method: clinical testing. Allele origin: germline.
Comment: The TTN c.59258A>G variant is predicted to result in the amino acid substitution p.Tyr19753Cys. To our knowledge, this variant has not been reported in the literature. This variant is reported in 0.012% of alleles in individuals of African descent in gnomAD. At this time, the clinical significance of this variant is uncertain due to the absence of conclusive functional and genetic evidence.

Eurofins Ntd Llc (ga)
Classification: Uncertain significance. Last evaluated: 2017-06-15. Review status: criteria provided, single submitter. Criteria: EGL Classification Definitions 2015. Collection method: clinical testing. Allele origin: germline. Observed: 1 variant allele, 1 heterozygote.

NM_001267550.2(TTN):c.59258A>G (p.Tyr19753Cys)

Genes: TTN (titin; minus strand), TTN-AS1 (TTN antisense RNA 1; plus strand). Cytogenetic location: 2q31.2.
Variant type: single nucleotide variant.
Coding change: c.59258A>G on transcript NM_001267550.2 (MANE Select); coding-DNA position 59258, A replaced by G.
Protein change: p.Tyr19753Cys; replaces tyrosine 19753 with cysteine.
Molecular consequence: missense variant.
Genome position (GRCh38, 1-based): chr2:178,592,861, T>C on the plus strand (A>G on the coding strand, the complement: TTN is on the minus strand). VCF-style: chr2-178592861-T-C. GRCh37 (hg19) VCF-style: chr2-179457588-T-C.
Other names: c.54335A>G, p.Tyr18112Cys (NM_001256850.1); c.32063A>G, p.Tyr10688Cys (NM_003319.4); c.51554A>G, p.Tyr17185Cys (NM_133378.4); c.32438A>G, p.Tyr10813Cys (NM_133432.3); c.32639A>G, p.Tyr10880Cys (NM_133437.4); short protein forms Y17185C, Y19753C, Y10880C, Y10813C, Y18112C, Y10688C.
Identifiers: ClinVar variation 502581 (VCV000502581.6), dbSNP rs755651839, ClinGen allele CA1992695.